The following is an entry in ClinVar:

NM_004006.3(DMD):c.245G>T (p.Arg82Leu)

Gene: DMD (dystrophin; minus strand). Cytogenetic location: Xp21.1.
Variant type: single nucleotide variant.
Coding change: c.245G>T on transcript NM_004006.3 (MANE Select); coding-DNA position 245, G replaced by T.
Protein change: p.Arg82Leu; replaces arginine 82 with leucine.
Molecular consequence: missense variant. On other transcripts: 5 prime UTR variant (1).
Genome position (GRCh38, 1-based): chrX:32,844,802, C>A on the plus strand (G>T on the coding strand, the complement: DMD is on the minus strand). VCF-style: chrX-32844802-C-A. GRCh37 (hg19) VCF-style: chrX-32862919-C-A.
Other names: c.221G>T, p.Arg74Leu (NM_000109.4); c.233G>T, p.Arg78Leu (NM_004009.3); c.-125G>T (NM_004010.3); short protein forms R74L, R78L, R82L.
Identifiers: ClinVar variation 1719187 (VCV001719187.7), dbSNP rs1228664222, ClinGen allele CA412674670.

ClinVar aggregate classification (germline): Uncertain significance. Review status: criteria provided, single submitter (1 of 4 stars). 2 submissions from 2 submitters: Uncertain significance (1). 1 of the submissions does not count toward it. Last evaluated 2022-09-10.

Conditions:
Duchenne muscular dystrophy (DMD). Also called: MUSCULAR DYSTROPHY, PSEUDOHYPERTROPHIC PROGRESSIVE, DUCHENNE TYPE; Duchenne Muscular Dystrophy (DMD). Identifiers: Orphanet 98896, MedGen C0013264, MONDO:0010679, OMIM 310200.
Becker muscular dystrophy, Cardiomyopathy, Duchenne muscular dystrophy, Dystrophin deficiency.

Submissions (2):

Labcorp Genetics (formerly Invitae), Labcorp
Classification: Uncertain significance for Duchenne muscular dystrophy. Last evaluated: 2022-09-10. Review status: criteria provided, single submitter. Criteria: Invitae Variant Classification Sherloc (09022015). Collection method: clinical testing. Allele origin: germline.
Comment: This variant is not present in population databases (gnomAD no frequency). This variant has not been reported in the literature in individuals affected with DMD-related conditions. This sequence change replaces arginine, which is basic and polar, with leucine, which is neutral and non-polar, at codon 82 of the DMD protein (p.Arg82Leu). Advanced modeling of protein sequence and biophysical properties (such as structural, functional, and spatial information, amino acid conservation, physicochemical variation, residue mobility, and thermodynamic stability) performed at Invitae indicates that this missense variant is not expected to disrupt DMD protein function. In summary, the available evidence is currently insufficient to determine the role of this variant in disease. Therefore, it has been classified as a Variant of Uncertain Significance.

Natera, Inc.
Classification: Uncertain significance for Becker muscular dystrophy, Cardiomyopathy, Duchenne muscular dystrophy, Dystrophin deficiency. Last evaluated: 2025-02-18. Review status: no assertion criteria provided. Collection method: clinical testing. Allele origin: germline. Not counted in ClinVar's aggregate classification.